The following is an entry in ClinVar:

NM_013275.6(ANKRD11):c.7418C>T (p.Thr2473Met)

Gene: ANKRD11 (ankyrin repeat domain containing 11; minus strand). Cytogenetic location: 16q24.3.
Variant type: single nucleotide variant.
Coding change: c.7418C>T on transcript NM_013275.6 (MANE Select); coding-DNA position 7418, C replaced by T.
Protein change: p.Thr2473Met; replaces threonine 2473 with methionine.
Molecular consequence: missense variant.
Genome position (GRCh38, 1-based): chr16:89,279,124, G>A on the plus strand (C>T on the coding strand, the complement: ANKRD11 is on the minus strand). VCF-style: chr16-89279124-G-A. GRCh37 (hg19) VCF-style: chr16-89345532-G-A.
Other names: c.7418C>T, p.Thr2473Met (NM_001256182.2, NM_001256183.2); short protein forms T2473M.
Identifiers: ClinVar variation 450878 (VCV000450878.2), dbSNP rs765378650, ClinGen allele CA397148390.
Genomic context (GRCh38, chr16:89,279,124, plus strand): 5'-GCACTCACCACGGGGATGTGGAGCTTGCTGAGCGGCTTGCCGTCCAGGAGGTAGGAGCCC[G>A]TGTAGGTGACGTACTCGGCGTAGCACTGGGGCGCCTGCGGCGTGATACAGCACAGGATCT-3'
Protein context (NP_037407.4, residues 2463-2483): PQCYAEYVTY[Thr2473Met]GSYLLDGKPL

ClinVar aggregate classification (germline): Uncertain significance (1 of 4 stars; one submission).

Submission:

GeneDx
Classification: Uncertain significance. Last evaluated: 2017-07-25. Review status: criteria provided, single submitter. Criteria: GeneDx Variant Classification (06012015). Collection method: clinical testing. Allele origin: germline. Affected: yes.
Comment: A variant of uncertain significance has been identified in the ANKRD11 gene. The T2473M variant has not been published as a pathogenic variant, nor has it been reported as a benign variant to our knowledge. It is not observed in large population cohorts (Lek et al., 2016; 1000 Genomes Consortium et al., 2015; Exome Variant Server). This variant is a non-conservative amino acid substitution that occurs at a position that is conserved across species. In silico analysis predicts this variant is probably damaging to the protein structure/function. Therefore, based on the currently available information, it is unclear whether this variant is a pathogenic variant or a rare benign variant.